The following is an entry in ClinVar:

ClinVar aggregate classification (germline): Uncertain significance (1 of 4 stars; one submission).

Submission:

Labcorp Genetics (formerly Invitae), Labcorp
Classification: Uncertain significance. Last evaluated: 2022-08-23. Review status: criteria provided, single submitter. Criteria: Invitae Variant Classification Sherloc (09022015). Collection method: clinical testing. Allele origin: germline.
Comment: In summary, the available evidence is currently insufficient to determine the role of this variant in disease. Therefore, it has been classified as a Variant of Uncertain Significance. This variant has not been reported in the literature in individuals affected with CAMK2B-related conditions. This variant is not present in population databases (gnomAD no frequency). This sequence change creates a premature translational stop signal (p.Ser81Argfs*19) in the CAMK2B gene. It is expected to result in an absent or disrupted protein product. However, the current clinical and genetic evidence is not sufficient to establish whether loss-of-function variants in CAMK2B cause disease.

NM_001220.5(CAMK2B):c.241_242del (p.Ser81fs)

Gene: CAMK2B (calcium/calmodulin dependent protein kinase II beta; minus strand). Cytogenetic location: 7p13.
Variant type: Microsatellite.
Coding change: c.241_242del on transcript NM_001220.5 (MANE Select); coding-DNA positions 241 to 242, 2 bases deleted (TC; older notation c.241_242delTC).
Protein change: p.Ser81fs; shifts the reading frame from serine 81.
Molecular consequence: frameshift variant.
Genome position (GRCh38, 1-based): chr7:44,258,905-44,258,906, GA deleted on the plus strand (TC on the coding strand, the reverse complement: CAMK2B is on the minus strand); deleting any 2 consecutive bases within chr7:44,258,905-44,258,908 gives the same sequence; the c. name uses the placement nearest the transcript's 3' end. VCF-style (leftmost placement, unchanged base first): chr7-44258904-GGA-G. GRCh37 (hg19) VCF-style: chr7-44298503-GGA-G.
Other names: c.241_242del, p.Ser81fs (NM_001293170.2, NM_172078.3, NM_172079.3 and 5 more transcripts); short protein forms S81fs.
Identifiers: ClinVar variation 1479742 (VCV001479742.6), dbSNP rs2129026919, ClinGen allele CA2580615882.
Genomic context (GRCh38, chr7:44,258,904, plus strand): 5'-AGCGAGAGTCCCCAGCTCTGGAACTTACAGATCGAAGACCAGGTAGTGGAAGCCCTCCTC[GGA>G]GATGCTGTCGTGGAGACGCACTGTGGGGACAGAGAAGCCATGAGGGGCTGGCAATAGCCC-3'